The following is an entry in ClinVar:

NM_021254.4(CFAP298):c.622G>A (p.Val208Met)

Genes: CFAP298 (cilia and flagella associated protein 298; minus strand), CFAP298-TCP10L (CFAP298-TCP10L readthrough; minus strand). Cytogenetic location: 21q22.11.
Variant type: single nucleotide variant.
Coding change: c.622G>A on transcript NM_021254.4 (MANE Select); coding-DNA position 622, G replaced by A.
Protein change: p.Val208Met; replaces valine 208 with methionine.
Molecular consequence: missense variant. On other transcripts: non-coding transcript variant (2).
Genome position (GRCh38, 1-based): chr21:32,603,205, C>T on the plus strand (G>A on the coding strand, the complement: CFAP298 is on the minus strand). VCF-style: chr21-32603205-C-T. GRCh37 (hg19) VCF-style: chr21-33975515-C-T.
Other names: c.622G>A, p.Val208Met (NM_001350338.2, NM_001350335.2, NM_001350336.2 and 1 more transcripts); c.325G>A, p.Val109Met (NM_001350334.2); short protein forms V208M, V109M.
Identifiers: ClinVar variation 241378 (VCV000241378.16), dbSNP rs61735781, ClinGen allele CA10002794.

ClinVar aggregate classification (germline): Benign/Likely benign. Review status: criteria provided, multiple submitters, no conflicts (2 of 4 stars). 6 submissions from 6 submitters: Benign (1); Likely benign (5). Last evaluated 2026-06-01.

Conditions:
Primary ciliary dyskinesia 26. Also called: CILIARY DYSKINESIA, PRIMARY, 26, WITH SITUS INVERSUS; CILIARY DYSKINESIA, PRIMARY, 26, WITHOUT SITUS INVERSUS; CILIARY DYSKINESIA, PRIMARY, 26, WITH OR WITHOUT SITUS INVERSUS. Identifiers: Orphanet 244, MedGen C3809684, MONDO:0014211, OMIM 615500.

Allele frequency attached by ClinVar (database versions not stated): 1000 Genomes Project 0.00379; 1000 Genomes Project 30x 0.00390; TOPMed 0.00393; gnomAD 0.00433 and 0.00435; ExAC 0.00446; ESP Exome Variant Server 0.00523.

Submissions (6):

CeGaT Center for Human Genetics Tuebingen
Classification: Likely benign. Last evaluated: 2026-06-01. Review status: criteria provided, single submitter. Criteria: CeGaT Center For Human Genetics Tuebingen Variant Classification Criteria Version 2. Collection method: clinical testing. Allele origin: germline. Affected: yes. Observed: 2 variant alleles.
Comment: CFAP298: BP4, BS2; CFAP298-TCP10L: BP4, BS2

Labcorp Genetics (formerly Invitae), Labcorp
Classification: Benign. Last evaluated: 2026-02-01. Review status: criteria provided, single submitter. Criteria: Invitae Variant Classification Sherloc (09022015). Collection method: clinical testing. Allele origin: germline.

Johns Hopkins Genomics, Johns Hopkins University
Classification: Likely benign for Primary ciliary dyskinesia 26. Last evaluated: 2024-05-09. Review status: criteria provided, single submitter. Criteria: ACMG Guidelines, 2015. Collection method: clinical testing. Allele origin: germline.
Comment: BS2, BP6

ARUP Laboratories, Molecular Genetics and Genomics, ARUP Laboratories
Classification: Likely benign. Last evaluated: 2023-11-01. Review status: criteria provided, single submitter. Criteria: ARUP Molecular Germline Variant Investigation Process 2024. Collection method: clinical testing. Allele origin: germline.

GeneDx
Classification: Likely benign. Last evaluated: 2021-05-26. Review status: criteria provided, single submitter. Criteria: GeneDx Variant Classification Process June 2021. Collection method: clinical testing. Allele origin: germline. Affected: yes.

Breakthrough Genomics
Classification: Likely benign. Review status: criteria provided, single submitter. Criteria: ACMG Guidelines, 2015. Collection method: not provided. Allele origin: germline. Inheritance: Autosomal recessive inheritance. Affected: yes.